The following is an entry in ClinVar:

NM_000787.4(DBH):c.1393T>A (p.Ser465Thr)

Gene: DBH (dopamine beta-hydroxylase; plus strand). Cytogenetic location: 9q34.2.
Variant type: single nucleotide variant.
Coding change: c.1393T>A on transcript NM_000787.4 (MANE Select); coding-DNA position 1393, T replaced by A.
Protein change: p.Ser465Thr; replaces serine 465 with threonine.
Molecular consequence: missense variant.
Genome position (GRCh38, 1-based): chr9:133,652,958, T>A. VCF-style: chr9-133652958-T-A. GRCh37 (hg19) VCF-style: chr9-136518080-T-A.
Other names: short protein forms S465T.
Identifiers: ClinVar variation 2161148 (VCV002161148.4), dbSNP rs145509753, ClinGen allele CA5313498.
Genomic context (GRCh38, chr9:133,652,958, plus strand): 5'-GCCAGGTGGCAGGTGCTGATGGTCACATTGGCTTTTCCTCAGGGAGATGTGCTCATCACC[T>A]CCTGCACGTACAACACAGAAGACCGGGAGCTGGCCACAGTGGTAAGTCACCCCCGCTTCC-3'
Protein context (NP_000778.3, residues 455-475): SVHPGDVLIT[Ser465Thr]CTYNTEDREL

ClinVar aggregate classification (germline): Uncertain significance (1 of 4 stars; one submission).

Conditions:
Orthostatic hypotension 1 (ORTHYP1). Also called: NORADRENALINE DEFICIENCY; NOREPINEPHRINE DEFICIENCY; Dopamine beta-hydroxylase deficiency; Orthostatic hypotension 1, due to DBH deficiency. Identifiers: Orphanet 230, MedGen C4746777, MONDO:0009123, OMIM 223360.

Allele frequency attached by ClinVar (database versions not stated): gnomAD exomes below 0.00001; ExAC 0.00002; gnomAD 0.00003; TOPMed 0.00006; ESP Exome Variant Server 0.00008.

Submission:

Labcorp Genetics (formerly Invitae), Labcorp
Classification: Uncertain significance for Orthostatic hypotension 1. Last evaluated: 2025-06-20. Review status: criteria provided, single submitter. Criteria: Invitae Variant Classification Sherloc (09022015). Collection method: clinical testing. Allele origin: germline.
Comment: This sequence change replaces serine, which is neutral and polar, with threonine, which is neutral and polar, at codon 465 of the DBH protein (p.Ser465Thr). This variant is present in population databases (rs145509753, gnomAD 0.02%). This variant has not been reported in the literature in individuals affected with DBH-related conditions. ClinVar contains an entry for this variant (Variation ID: 2161148). Invitae Evidence Modeling of protein sequence and biophysical properties (such as structural, functional, and spatial information, amino acid conservation, physicochemical variation, residue mobility, and thermodynamic stability) indicates that this missense variant is not expected to disrupt DBH protein function with a negative predictive value of 80%. In summary, the available evidence is currently insufficient to determine the role of this variant in disease. Therefore, it has been classified as a Variant of Uncertain Significance.